The following is an entry in ClinVar:

NM_001036.6(RYR3):c.10654C>G (p.Pro3552Ala)

Gene: RYR3 (ryanodine receptor 3; plus strand). Cytogenetic location: 15q14.
Variant type: single nucleotide variant.
Coding change: c.10654C>G on transcript NM_001036.6 (MANE Select); coding-DNA position 10654, C replaced by G.
Protein change: p.Pro3552Ala; replaces proline 3552 with alanine.
Molecular consequence: missense variant.
Genome position (GRCh38, 1-based): chr15:33,818,632, C>G. VCF-style: chr15-33818632-C-G. GRCh37 (hg19) VCF-style: chr15-34110833-C-G.
Other names: c.10654C>G (NM_001036.3); c.10639C>G, p.Pro3547Ala (NM_001243996.4); short protein forms P3547A, P3552A.
Identifiers: ClinVar variation 850120 (VCV000850120.11), dbSNP rs755221573, ClinGen allele CA7460912.

ClinVar aggregate classification (germline): Uncertain significance. Review status: criteria provided, multiple submitters, no conflicts (2 of 4 stars). 2 submissions from 2 submitters: Uncertain significance (2). Last evaluated 2025-02-19.

Conditions:
Epileptic encephalopathy. Identifiers: MedGen C0543888, HP:0200134.

Allele frequency attached by ClinVar (database versions not stated): gnomAD exomes 0.00003 and 0.00006; gnomAD 0.00005 and 0.00006; ExAC 0.00004; TOPMed 0.00004.
gnomAD v4.1: 87 of 1,613,810 alleles (0.0054%); highest among the groups gnomAD compares: Non-Finnish European, 0.0069%; no homozygotes.

Submissions (2):

Ambry Genetics
Classification: Uncertain significance. Last evaluated: 2025-02-19. Review status: criteria provided, single submitter. Criteria: Ambry Variant Classification Scheme 2023. Collection method: clinical testing. Allele origin: germline.

Labcorp Genetics (formerly Invitae), Labcorp
Classification: Uncertain significance for Epileptic encephalopathy. Last evaluated: 2019-06-17. Review status: criteria provided, single submitter. Criteria: Invitae Variant Classification Sherloc (09022015). Collection method: clinical testing. Allele origin: germline.
Comment: In summary, the available evidence is currently insufficient to determine the role of this variant in disease. Therefore, it has been classified as a Variant of Uncertain Significance. Algorithms developed to predict the effect of missense changes on protein structure and function are either unavailable or do not agree on the potential impact of this missense change (SIFT: "Deleterious"; PolyPhen-2: "Probably Damaging"; Align-GVGD: "Class C0"). This variant has not been reported in the literature in individuals with RYR3-related conditions. This variant is present in population databases (rs755221573, ExAC 0.02%). This sequence change replaces proline with alanine at codon 3552 of the RYR3 protein (p.Pro3552Ala). The proline residue is highly conserved and there is a small physicochemical difference between proline and alanine.